The following is an entry in ClinVar:

ClinVar aggregate classification (germline): Likely pathogenic (1 of 4 stars; one submission).

Conditions:
Short stature and advanced bone age, with or without early-onset osteoarthritis and/or osteochondritis dissecans (SSOAOD). Identifiers: Orphanet 251262, MedGen C3665488, MONDO:0100462, OMIM 165800.

Submission:

MVZ Dr. Eberhard & Partner Dortmund
Classification: Likely pathogenic for Short stature and advanced bone age, with or without early-onset osteoarthritis and/or osteochondritis dissecans. Review status: criteria provided, single submitter. Criteria: ACMG Guidelines, 2015. Collection method: clinical testing. Allele origin: unknown. Observed: 1 heterozygote.
Comment: The variant c.2536_2537delinsA for p.(Pro846Thrfs*99) in ACAN leads to a shift in the reading frame and suggests a loss of function of the protein or premature degradation of the ACAN mRNA (nonsense me-diated RNA decay). It has not yet been described in the literature and databases and is not found in population databases of various ethnic groups.

NM_001369268.1(ACAN):c.2536_2537delinsA (p.Pro846fs)

Gene: ACAN (aggrecan; plus strand). Cytogenetic location: 15q26.1.
Variant type: Indel.
Coding change: c.2536_2537delinsA on transcript NM_001369268.1 (MANE Select); coding-DNA positions 2536 to 2537, CC replaced by A.
Protein change: p.Pro846fs; shifts the reading frame from proline 846.
Molecular consequence: frameshift variant.
Genome position (GRCh38, 1-based): chr15:88,855,121-88,855,122, CC replaced by A. VCF-style: chr15-88855121-CC-A. GRCh37 (hg19) VCF-style: chr15-89398352-CC-A.
Other names: c.2536_2537delinsA, p.Pro846fs (NM_001135.4, NM_001411096.1, NM_001411097.1 and 1 more transcripts); short protein forms P846fs.
Identifiers: ClinVar variation 3338044 (VCV003338044.1).